The following is an entry in ClinVar:

ClinVar aggregate classification (germline): Likely pathogenic (1 of 4 stars; one submission).

Submission:

Labcorp Genetics (formerly Invitae), Labcorp
Classification: Likely pathogenic. Last evaluated: 2019-11-29. Review status: criteria provided, single submitter. Criteria: Invitae Variant Classification Sherloc (09022015). Collection method: clinical testing. Allele origin: germline.
Comment: In summary, the currently available evidence indicates that the variant is pathogenic, but additional data are needed to prove that conclusively. Therefore, this variant has been classified as Likely Pathogenic. Loss-of-function variants in ADGRG1 are known to be pathogenic (PMID: 15044805, 20929962). This variant has not been reported in the literature in individuals with ADGRG1-related conditions. This variant results in a copy number gain of the genomic region encompassing exons 7-13 of the ADGRG1 gene. While the exact position of this variant cannot be determined from this data, sub-genic copy number gains are generally in tandem (PMID: 25640679) and may result in an absent or disrupted protein product.

Literature cited by the submitters: PubMed 15044805; PubMed 20929962; PubMed 25640679.

NC_000016.10:g.(?_57655389)_(57660886_?)dup

Gene: ADGRG1 (adhesion G protein-coupled receptor G1; plus strand). Cytogenetic location: 16q21.
Variant type: Duplication.
Identifiers: ClinVar variation 831545 (VCV000831545.5).